The following is an entry in ClinVar:

ClinVar aggregate classification (germline): Uncertain significance (1 of 4 stars; one submission).

Conditions:
Cardiovascular phenotype. Identifiers: MedGen CN230736.

Submission:

Ambry Genetics
Classification: Uncertain significance for Cardiovascular phenotype. Last evaluated: 2025-11-20. Review status: criteria provided, single submitter. Criteria: Ambry Variant Classification Scheme 2023. Collection method: clinical testing. Allele origin: germline.
Comment: The c.3748_3749delGTinsA variant, located in coding exon 25 of the MYH6 gene, results from the deletion of two nucleotides and insertion of one nucleotide causing a translational frameshift with a predicted alternate stop codon (p.V1250Sfs*14). This alteration is expected to result in protein truncation or nonsense-mediated mRNA decay. However, loss of function has not been established as a mechanism of disease. Based on the available evidence, the clinical significance of this alteration remains unclear.

NM_002471.4(MYH6):c.3748_3749delinsA (p.Val1250fs)

Gene: MYH6 (myosin heavy chain 6; minus strand). Cytogenetic location: 14q11.2.
Variant type: Indel.
Coding change: c.3748_3749delinsA on transcript NM_002471.4 (MANE Select); coding-DNA positions 3748 to 3749, GT replaced by A.
Protein change: p.Val1250fs; shifts the reading frame from valine 1250.
Molecular consequence: frameshift variant.
Genome position (GRCh38, 1-based): chr14:23,389,703-23,389,704, AC replaced by T on the plus strand (GT replaced by A on the coding strand, the reverse complement: MYH6 is on the minus strand). VCF-style: chr14-23389703-AC-T. GRCh37 (hg19) VCF-style: chr14-23858912-AC-T.
Other names: short protein forms V1250fs.
Identifiers: ClinVar variation 4614599 (VCV004614599.1).